The following is an entry in ClinVar:

NM_001723.7(DST):c.3848A>G (p.Asn1283Ser)

Gene: DST (dystonin; minus strand). Cytogenetic location: 6p12.1.
Variant type: single nucleotide variant.
Coding change: c.3848A>G on transcript NM_001723.7 (MANE Plus Clinical); coding-DNA position 3848, A replaced by G.
Protein change: p.Asn1283Ser; replaces asparagine 1283 with serine.
Molecular consequence: missense variant. On other transcripts: intron variant (10).
Genome position (GRCh38, 1-based): chr6:56,620,186, T>C on the plus strand (A>G on the coding strand, the complement: DST is on the minus strand). VCF-style: chr6-56620186-T-C. GRCh37 (hg19) VCF-style: chr6-56484984-T-C.
Other names: c.4830+4344A>G (NM_001144769.5); c.4929+4344A>G (NM_001374722.1, NM_001374736.1); c.4956+4344A>G (NM_001374734.1); c.4416+4344A>G (NM_001144770.2); c.4296+4344A>G (NM_001374730.1, NM_001386100.1, NM_183380.4 and 1 more transcripts); c.3318+4344A>G (NM_015548.5); short protein forms N1283S.
Identifiers: ClinVar variation 2182272 (VCV002182272.4), dbSNP rs776834376, ClinGen allele CA3870643.

ClinVar aggregate classification (germline): Uncertain significance (1 of 4 stars; one submission).

Conditions:
Epidermolysis bullosa simplex 3, localized or generalized intermediate, with BP230 deficiency (EBS3). Also called: Epidermolysis bullosa simplex due to BP230 deficiency; Epidermolysis bullosa simplex, autosomal recessive 2. Identifiers: Orphanet 412181, MedGen C3809470, MONDO:0014180, OMIM 615425.
Hereditary sensory and autonomic neuropathy type 6. Also called: Neuropathy, hereditary sensory and autonomic, type VI; HSAN VI. Identifiers: Orphanet 314381, MedGen C3539003, MONDO:0013839, OMIM 614653.

Allele frequency attached by ClinVar (database versions not stated): gnomAD exomes below 0.00001; ExAC 0.00002.
gnomAD v4.1: 4 of 1,613,714 alleles (0.00025%); highest among the groups gnomAD compares: Admixed American, 0.0017%; no homozygotes.

Submission:

Labcorp Genetics (formerly Invitae), Labcorp
Classification: Uncertain significance for Epidermolysis bullosa simplex 3, localized or generalized intermediate, with BP230 deficiency; Hereditary sensory and autonomic neuropathy type 6. Last evaluated: 2022-06-20. Review status: criteria provided, single submitter. Criteria: Invitae Variant Classification Sherloc (09022015). Collection method: clinical testing. Allele origin: germline.
Comment: In summary, the available evidence is currently insufficient to determine the role of this variant in disease. Therefore, it has been classified as a Variant of Uncertain Significance. Algorithms developed to predict the effect of sequence changes on RNA splicing suggest that this variant may create or strengthen a splice site. Algorithms developed to predict the effect of missense changes on protein structure and function (SIFT, PolyPhen-2, Align-GVGD) all suggest that this variant is likely to be tolerated. This variant has not been reported in the literature in individuals affected with DST-related conditions. This variant is present in population databases (rs776834376, gnomAD 0.006%). This sequence change replaces asparagine, which is neutral and polar, with serine, which is neutral and polar, at codon 1283 of the DST protein (p.Asn1283Ser).